The following is an entry in ClinVar:

NM_001374623.1(PNPLA1):c.87G>A (p.Ala29=)

Gene: PNPLA1 (patatin like domain 1, omega-hydroxyceramide transacylase; plus strand). Cytogenetic location: 6p21.31.
Variant type: single nucleotide variant.
Coding change: c.87G>A on transcript NM_001374623.1 (MANE Select); coding-DNA position 87, G replaced by A.
Protein change: p.Ala29=; no amino-acid change (alanine 29 retained).
Molecular consequence: synonymous variant. On other transcripts: intron variant (2).
Genome position (GRCh38, 1-based): chr6:36,270,546, G>A. VCF-style: chr6-36270546-G-A. GRCh37 (hg19) VCF-style: chr6-36238323-G-A.
Other names: c.87G>A, p.Ala29= (NM_001145717.1); c.-80-20774G>A (NM_001145716.2, NM_173676.2).
Identifiers: ClinVar variation 908038 (VCV000908038.22), dbSNP rs770164167, ClinGen allele CA3777598.

ClinVar aggregate classification (germline): Conflicting classifications of pathogenicity. Review status: criteria provided, conflicting classifications (1 of 4 stars). 5 submissions from 5 submitters: Uncertain significance (2); Likely benign (2). 1 of the submissions does not count toward it. Last evaluated 2025-12-23.

Conditions:
Autosomal recessive congenital ichthyosis 10 (ARCI10). Identifiers: Orphanet 79394, MedGen C3554355, MONDO:0014011, OMIM 615024.
PNPLA1-related disorder. Also called: PNPLA1-related condition.

Allele frequency attached by ClinVar (database versions not stated): gnomAD 0.00023 and 0.00024; gnomAD exomes 0.00026 and 0.00027; TOPMed 0.00029; ExAC 0.00037.
gnomAD v4.1: 397 of 1,551,504 alleles (0.026%); highest among the groups gnomAD compares: Middle Eastern, 0.17%; no homozygotes.

Submissions (5):

Labcorp Genetics (formerly Invitae), Labcorp
Classification: Likely benign. Last evaluated: 2025-12-23. Review status: criteria provided, single submitter. Criteria: Invitae Variant Classification Sherloc (09022015). Collection method: clinical testing. Allele origin: germline.

CeGaT Center for Human Genetics Tuebingen
Classification: Likely benign. Last evaluated: 2024-09-01. Review status: criteria provided, single submitter. Criteria: CeGaT Center For Human Genetics Tuebingen Variant Classification Criteria Version 2. Collection method: clinical testing. Allele origin: germline. Affected: yes. Observed: 1 variant allele.
Comment: PNPLA1: BP4, BP7

Illumina Laboratory Services, Illumina
Classification: Uncertain significance for Autosomal recessive congenital ichthyosis 10. Last evaluated: 2018-01-12. Review status: criteria provided, single submitter. Criteria: ICSL Variant Classification Criteria 13 December 2019. Collection method: clinical testing. Allele origin: germline.

Breakthrough Genomics
Classification: Uncertain significance. Review status: criteria provided, single submitter. Criteria: ACMG Guidelines, 2015. Collection method: not provided. Allele origin: germline. Inheritance: Autosomal recessive inheritance. Affected: yes.

PreventionGenetics, part of Exact Sciences
Classification: Likely benign for PNPLA1-related condition. Last evaluated: 2020-03-23. Review status: no assertion criteria provided. Collection method: clinical testing. Allele origin: germline. Not counted in ClinVar's aggregate classification.
Comment: This variant is classified as likely benign based on ACMG/AMP sequence variant interpretation guidelines (Richards et al. 2015 PMID: 25741868, with internal and published modifications).